The following is an entry in ClinVar:

NM_024009.3(GJB3):c.94C>T (p.Arg32Trp)

Gene: GJB3 (gap junction protein beta 3; plus strand). Cytogenetic location: 1p34.3.
Variant type: single nucleotide variant.
Coding change: c.94C>T on transcript NM_024009.3 (MANE Select); coding-DNA position 94, C replaced by T.
Protein change: p.Arg32Trp; replaces arginine 32 with tryptophan.
Molecular consequence: missense variant.
Genome position (GRCh38, 1-based): chr1:34,784,856, C>T. VCF-style: chr1-34784856-C-T. GRCh37 (hg19) VCF-style: chr1-35250457-C-T.
Other names: c.94C>T, p.Arg32Trp (NM_001005752.2); short protein forms R32W.
Identifiers: ClinVar variation 46088 (VCV000046088.62), dbSNP rs1805063, ClinGen allele CA137665.

ClinVar aggregate classification (germline): Benign. Review status: criteria provided, multiple submitters, no conflicts (2 of 4 stars). 12 submissions from 12 submitters: Benign (10). 2 of the submissions do not count toward it. Last evaluated 2026-07-01.

Conditions:
Erythrokeratodermia variabilis et progressiva 1 (EKVP1). Also called: ERYTHROKERATODERMIA FIGURATA, CONGENITAL FAMILIAL, IN PLAQUES; ERYTHROKERATODERMIA VARIABILIS WITH ERYTHEMA GYRATUM REPENS; ERYTHROKERATODERMIA, PROGRESSIVE SYMMETRIC. Identifiers: Orphanet 317, MedGen C4551486, MONDO:0033010, OMIM 133200.

Allele frequency attached by ClinVar (database versions not stated): 1000 Genomes Project 30x 0.01187; 1000 Genomes Project 0.01298; TOPMed 0.01710; gnomAD 0.02139 and 0.02177; ESP Exome Variant Server 0.02307; gnomAD exomes 0.02338 and 0.02988; ExAC 0.02421.
gnomAD v4.1: 46,599 of 1,614,166 alleles (2.9%); highest among the groups gnomAD compares: Non-Finnish European, 3.3%; 759 homozygotes.

Submissions (12):

CeGaT Center for Human Genetics Tuebingen
Classification: Benign. Last evaluated: 2026-07-01. Review status: criteria provided, single submitter. Criteria: CeGaT Center For Human Genetics Tuebingen Variant Classification Criteria Version 2. Collection method: clinical testing. Allele origin: germline. Affected: yes. Observed: 65 variant alleles.
Comment: GJB3: BS1, BS2

Labcorp Genetics (formerly Invitae), Labcorp
Classification: Benign. Last evaluated: 2026-02-01. Review status: criteria provided, single submitter. Criteria: Invitae Variant Classification Sherloc (09022015). Collection method: clinical testing. Allele origin: germline.

ARUP Laboratories, Molecular Genetics and Genomics, ARUP Laboratories
Classification: Benign. Last evaluated: 2023-11-29. Review status: criteria provided, single submitter. Criteria: ARUP Molecular Germline Variant Investigation Process 2024. Collection method: clinical testing. Allele origin: germline.

Athena Diagnostics
Classification: Benign. Last evaluated: 2018-11-12. Review status: criteria provided, single submitter. Criteria: Athena Diagnostics Criteria. Collection method: clinical testing. Allele origin: germline.

Illumina Laboratory Services, Illumina
Classification: Benign for Erythrokeratodermia variabilis et progressiva 1. Last evaluated: 2018-03-06. Review status: criteria provided, single submitter. Criteria: ICSL Variant Classification Criteria 13 December 2019. Collection method: clinical testing. Allele origin: germline.
Comment: This variant was observed in the ICSL laboratory as part of a predisposition screen in an ostensibly healthy population. It had not been previously curated by ICSL or reported in the Human Gene Mutation Database (HGMD: prior to June 1st, 2018), and was therefore a candidate for classification through an automated scoring system. Utilizing variant allele frequency, disease prevalence and penetrance estimates, and inheritance mode, an automated score was calculated to assess if this variant is too frequent to cause the disease. Based on the score and internal cut-off values, a variant classified as benign is not then subjected to further curation. The score for this variant resulted in a classification of benign for this disease.

Eurofins Ntd Llc (ga)
Classification: Benign. Last evaluated: 2016-06-07. Review status: criteria provided, single submitter. Criteria: EGL Classification Definitions 2015. Collection method: clinical testing. Allele origin: germline. Observed: 1 variant allele, 1 heterozygote.

GeneDx
Classification: Benign. Last evaluated: 2015-03-03. Review status: criteria provided, single submitter. Criteria: GeneDx Variant Classification Process June 2021. Collection method: clinical testing. Allele origin: germline. Affected: yes.
Comment: This variant is associated with the following publications: (PMID: 25262649, 11175305, 12702148, 12165562, 24498627, 20981092, 10757647, 27884173, 10888284, 30245029, 29318123)

Laboratory for Molecular Medicine, Mass General Brigham Personalized Medicine
Classification: Benign. Last evaluated: 2012-05-07. Review status: criteria provided, single submitter. Criteria: LMM Criteria. Collection method: clinical testing. Allele origin: germline. Observed: 25 variant alleles.
Comment: Arg32Trp in Exon 02 of GJB3: This variant is not expected to have clinical signi ficance because it has been identified in 3.0% (211/7020) of European American c hromosomes from a broad population by the NHLBI Exome Sequencing Project (dbSNP rs1805063).

Breakthrough Genomics
Classification: Benign. Review status: criteria provided, single submitter. Criteria: ACMG Guidelines, 2015. Collection method: not provided. Allele origin: germline. Inheritance: Autosomal dominant inheritance. Affected: yes.

PreventionGenetics, part of Exact Sciences
Classification: Benign. Review status: criteria provided, single submitter. Criteria: ACMG Guidelines, 2015. Collection method: clinical testing. Allele origin: germline.

Clinical Genetics, Academic Medical Center
Classification: Benign. Review status: no assertion criteria provided. Collection method: clinical testing. Allele origin: germline. Affected: yes. Study: VKGL Data-share Consensus. Not counted in ClinVar's aggregate classification.

Diagnostic Laboratory, Department of Genetics, University Medical Center Groningen
Classification: Benign. Review status: no assertion criteria provided. Collection method: clinical testing. Allele origin: germline. Affected: yes. Study: VKGL Data-share Consensus. Not counted in ClinVar's aggregate classification.

Literature cited by the submitters: PubMed 27884173 (cited by Athena Diagnostics); PubMed 25262649 (cited by Athena Diagnostics); PubMed 24498627 (cited by Athena Diagnostics); PubMed 20981092 (cited by Athena Diagnostics); PubMed 12702148 (cited by Athena Diagnostics); PubMed 12165562 (cited by Athena Diagnostics); PubMed 11175305 (cited by Athena Diagnostics and Eurofins Ntd Llc (ga)); PubMed 10888284 (cited by Athena Diagnostics).